The following is an entry in ClinVar:

NM_001105206.3(LAMA4):c.921T>G (p.Ala307=)

Gene: LAMA4 (laminin subunit alpha 4; minus strand). Cytogenetic location: 6q21.
Variant type: single nucleotide variant.
Coding change: c.921T>G on transcript NM_001105206.3 (MANE Select); coding-DNA position 921, T replaced by G.
Protein change: p.Ala307=; no amino-acid change (alanine 307 retained).
Molecular consequence: synonymous variant.
Genome position (GRCh38, 1-based): chr6:112,187,495, A>C on the plus strand (T>G on the coding strand, the complement: LAMA4 is on the minus strand). VCF-style: chr6-112187495-A-C. GRCh37 (hg19) VCF-style: chr6-112508697-A-C.
Other names: p.A300A:GCT>GCG; c.900T>G, p.Ala300= (NM_001105207.3, NM_002290.5).
Identifiers: ClinVar variation 44412 (VCV000044412.30), dbSNP rs186498011, ClinGen allele CA282411.

ClinVar aggregate classification (germline): Benign. Review status: criteria provided, multiple submitters, no conflicts (2 of 4 stars). 10 submissions from 10 submitters: Benign (8). 2 of the submissions do not count toward it. Last evaluated 2026-05-04.

Conditions:
LAMA4-related disorder. Also called: LAMA4-related condition.
Cardiovascular phenotype. Identifiers: MedGen CN230736.
Dilated cardiomyopathy 1JJ (CMD1JJ). Identifiers: Orphanet 154, MedGen C3808935, MONDO:0014095, OMIM 615235.
Cardiomyopathy (CMYO). Also called: Cardiomyopathies. Identifiers: Orphanet 167848, MedGen C0878544, MONDO:0004994, HP:0001638. Inheritance: Various modes of inheritance.

Allele frequency attached by ClinVar (database versions not stated): ESP Exome Variant Server 0.00008; gnomAD 0.00045 and 0.00050; gnomAD exomes 0.00126 and 0.00041; ExAC 0.00123; 1000 Genomes Project 30x 0.00172; 1000 Genomes Project 0.00200; TOPMed 0.00081.
gnomAD v4.1: 719 of 1,614,076 alleles (0.045%); highest among the groups gnomAD compares: East Asian, 1.3%; 8 homozygotes.

Submissions (10):

Women's Health and Genetics/Laboratory Corporation of America, LabCorp
Classification: Benign. Last evaluated: 2026-05-04. Review status: criteria provided, single submitter. Criteria: LabCorp Variant Classification Summary - May 2015. Collection method: clinical testing. Allele origin: germline.

PreventionGenetics, part of Exact Sciences
Classification: Benign for LAMA4-related condition. Last evaluated: 2026-01-26. Review status: criteria provided, single submitter. Criteria: ACMG Guidelines, 2015. Collection method: clinical testing. Allele origin: germline.
Comment: This variant is classified as benign based on ACMG/AMP sequence variant interpretation guidelines (Richards et al. 2015 PMID: 25741868, with internal and published modifications).

Labcorp Genetics (formerly Invitae), Labcorp
Classification: Benign for Dilated cardiomyopathy 1JJ. Last evaluated: 2026-01-25. Review status: criteria provided, single submitter. Criteria: Invitae Variant Classification Sherloc (09022015). Collection method: clinical testing. Allele origin: germline.

ARUP Laboratories, Molecular Genetics and Genomics, ARUP Laboratories
Classification: Benign for Dilated cardiomyopathy 1JJ. Last evaluated: 2019-12-15. Review status: criteria provided, single submitter. Criteria: ARUP Molecular Germline Variant Investigation Process. Collection method: clinical testing. Allele origin: germline.

Ambry Genetics
Classification: Benign for Cardiovascular phenotype. Last evaluated: 2019-03-27. Review status: criteria provided, single submitter. Criteria: Ambry Variant Classification Scheme 2023. Collection method: clinical testing. Allele origin: germline.

CHEO Genetics Diagnostic Laboratory, Children's Hospital of Eastern Ontario
Classification: Benign for Cardiomyopathy. Last evaluated: 2018-02-01. Review status: criteria provided, single submitter. Criteria: ACMG Guidelines, 2015. Collection method: clinical testing. Allele origin: germline.

Laboratory for Molecular Medicine, Mass General Brigham Personalized Medicine
Classification: Benign. Last evaluated: 2015-03-04. Review status: criteria provided, single submitter. Criteria: LMM Criteria. Collection method: clinical testing. Allele origin: germline. Observed: 6 variant alleles.
Comment: p.Ala330Ala in exon 8 of LAMA4: This variant is not expected to have clinical si gnificance because it does not alter an amino acid residue, is not located withi n the splice consensus sequence, and has been identified in 1.7% (145/8626) of E ast Asian chromosomes by the Exome Aggregation Consortium (ExAC; dbSNP rs186498011).

GeneDx
Classification: Benign. Last evaluated: 2015-02-23. Review status: criteria provided, single submitter. Criteria: GeneDx Variant Classification (06012015). Collection method: clinical testing. Allele origin: germline. Affected: yes.
Comment: This variant is considered likely benign or benign based on one or more of the following criteria: it is a conservative change, it occurs at a poorly conserved position in the protein, it is predicted to be benign by multiple in silico algorithms, and/or has population frequency not consistent with disease.

Clinical Genetics, Academic Medical Center
Classification: Benign. Review status: no assertion criteria provided. Collection method: clinical testing. Allele origin: germline. Affected: yes. Study: VKGL Data-share Consensus. Not counted in ClinVar's aggregate classification.

Diagnostic Laboratory, Department of Genetics, University Medical Center Groningen
Classification: Likely benign. Review status: no assertion criteria provided. Collection method: clinical testing. Allele origin: germline. Affected: yes. Study: VKGL Data-share Consensus. Not counted in ClinVar's aggregate classification.